The following is an entry in ClinVar:

ClinVar aggregate classification (germline): Conflicting classifications of pathogenicity. Review status: criteria provided, conflicting classifications (1 of 4 stars). 3 submissions from 3 submitters: Uncertain significance (1); Likely benign (2). Last evaluated 2025-11-12.

Conditions:
Isovaleryl-CoA dehydrogenase deficiency (IVA). Also called: Classic Isovaleric Acidemia; ISOVALERIC ACID CoA DEHYDROGENASE DEFICIENCY; IVD DEFICIENCY; Isovaleric acidemia. Identifiers: Orphanet 33, MedGen C0268575, MONDO:0009475, OMIM 243500.

Allele frequency attached by ClinVar (database versions not stated): ExAC 0.00002; TOPMed 0.00002; gnomAD 0.00003; gnomAD exomes 0.00003 and 0.00008.
gnomAD v4.1: 125 of 1,613,884 alleles (0.0077%); highest among the groups gnomAD compares: Non-Finnish European, 0.01%; no homozygotes.

Submissions (3):

Labcorp Genetics (formerly Invitae), Labcorp
Classification: Likely benign for Isovaleryl-CoA dehydrogenase deficiency. Last evaluated: 2025-11-12. Review status: criteria provided, single submitter. Criteria: Invitae Variant Classification Sherloc (09022015). Collection method: clinical testing. Allele origin: germline.

Illumina Laboratory Services, Illumina
Classification: Uncertain significance for Isovaleryl-CoA dehydrogenase deficiency. Last evaluated: 2018-01-12. Review status: criteria provided, single submitter. Criteria: ICSL Variant Classification Criteria 13 December 2019. Collection method: clinical testing. Allele origin: germline.

GeneDx
Classification: Likely benign. Last evaluated: 2017-10-05. Review status: criteria provided, single submitter. Criteria: GeneDx Variant Classification (06012015). Collection method: clinical testing. Allele origin: germline. Affected: yes.
Comment: This variant is considered likely benign or benign based on one or more of the following criteria: it is a conservative change, it occurs at a poorly conserved position in the protein, it is predicted to be benign by multiple in silico algorithms, and/or has population frequency not consistent with disease.

NM_002225.5(IVD):c.1139-8G>C

Gene: IVD (isovaleryl-CoA dehydrogenase; plus strand). Cytogenetic location: 15q15.1.
Variant type: single nucleotide variant.
Coding change: c.1139-8G>C on transcript NM_002225.5 (MANE Select); 8 bases into the intron before coding-DNA position 1139, G replaced by C.
Molecular consequence: intron variant.
Genome position (GRCh38, 1-based): chr15:40,418,122, G>C. VCF-style: chr15-40418122-G-C. GRCh37 (hg19) VCF-style: chr15-40710321-G-C.
Other names: c.1225+1760G>C (NM_001354600.3); c.1138+1760G>C (NM_001354598.3, NM_001354601.3); c.1091-8G>C (NM_001354597.3); c.1226-8G>C (NM_001354599.3); c.1049-8G>C (NM_001159508.3).
Identifiers: ClinVar variation 388410 (VCV000388410.16), dbSNP rs755640305, ClinGen allele CA7480907.